The following is an entry in ClinVar:

ClinVar aggregate classification (germline): Likely benign. Review status: criteria provided, multiple submitters, no conflicts (2 of 4 stars). 3 submissions from 3 submitters: Likely benign (3). Last evaluated 2025-08-19.

Conditions:
Fanconi anemia complementation group P. Also called: SLX4-Related Fanconi Anemia. Identifiers: Orphanet 84, MedGen C3469542, MONDO:0013499, OMIM 613951.
Fanconi anemia (FA). Also called: Fanconi's anemia. Identifiers: Orphanet 84, MedGen C0015625, MeSH D005199, MONDO:0019391.
SLX4-related disorder. Also called: SLX4-related condition.

Allele frequency attached by ClinVar (database versions not stated): gnomAD exomes 0.00003 and 0.00010; ExAC 0.00009; gnomAD 0.00018 and 0.00021; ESP Exome Variant Server 0.00023; TOPMed 0.00024; 1000 Genomes Project 0.00060; 1000 Genomes Project 30x 0.00062.
gnomAD v4.1: 75 of 1,614,146 alleles (0.0046%); highest among the groups gnomAD compares: African/African-American, 0.08%; no homozygotes.

Submissions (3):

Labcorp Genetics (formerly Invitae), Labcorp
Classification: Likely benign for Fanconi anemia. Last evaluated: 2025-08-19. Review status: criteria provided, single submitter. Criteria: Invitae Variant Classification Sherloc (09022015). Collection method: clinical testing. Allele origin: germline.

PreventionGenetics, part of Exact Sciences
Classification: Likely benign for SLX4-related condition. Last evaluated: 2025-01-31. Review status: criteria provided, single submitter. Criteria: ACMG Guidelines, 2015. Collection method: clinical testing. Allele origin: germline.
Comment: This variant is classified as likely benign based on ACMG/AMP sequence variant interpretation guidelines (Richards et al. 2015 PMID: 25741868, with internal and published modifications).

Fulgent Genetics
Classification: Likely benign for Fanconi anemia complementation group P. Last evaluated: 2021-10-12. Review status: criteria provided, single submitter. Criteria: ACMG Guidelines, 2015. Collection method: clinical testing. Allele origin: unknown.

NM_032444.4(SLX4):c.2079C>T (p.Val693=)

Gene: SLX4 (SLX4 structure-specific endonuclease subunit; minus strand). Cytogenetic location: 16p13.3.
Variant type: single nucleotide variant.
Coding change: c.2079C>T on transcript NM_032444.4 (MANE Select); coding-DNA position 2079, C replaced by T.
Protein change: p.Val693=; no amino-acid change (valine 693 retained).
Molecular consequence: synonymous variant.
Genome position (GRCh38, 1-based): chr16:3,594,534, G>A on the plus strand (C>T on the coding strand, the complement: SLX4 is on the minus strand). VCF-style: chr16-3594534-G-A. GRCh37 (hg19) VCF-style: chr16-3644535-G-A.
Other names: c.2079C>T (NM_032444.3).
Identifiers: ClinVar variation 697675 (VCV000697675.13), dbSNP rs150206155, ClinGen allele CA7866298.
Genomic context (GRCh38, chr16:3,594,534, plus strand): 5'-TCGGGCATAAAGCACGAACTTGTGGGCGTAAAGCACCTCCCCGCTGTCCGTCTGAAACTG[G>A]ACATCACTCAGGTGTGGGTTATTGACCATGGCGCCAAAGTCAGCAACCAGCAGCCCGAGG-3'
Protein context (NP_115820.2, residues 683-703): AMVNNPHLSD[Val693=]QFQTDSGEVL